The following is an entry in ClinVar:

ClinVar aggregate classification (germline): Uncertain significance (1 of 4 stars; one submission).

Submission:

GeneDx
Classification: Uncertain significance. Last evaluated: 2024-04-25. Review status: criteria provided, single submitter. Criteria: GeneDx Variant Classification Process June 2021. Collection method: clinical testing. Allele origin: germline. Affected: yes.
Comment: Not observed at significant frequency in large population cohorts (gnomAD); In silico analysis indicates that this missense variant does not alter protein structure/function; Has not been previously published as pathogenic or benign to our knowledge

NM_001367624.2(ZNF469):c.1535A>C (p.Glu512Ala)

Gene: ZNF469 (zinc finger protein 469; plus strand). Cytogenetic location: 16q24.2.
Variant type: single nucleotide variant.
Coding change: c.1535A>C on transcript NM_001367624.2 (MANE Select); coding-DNA position 1535, A replaced by C.
Protein change: p.Glu512Ala; replaces glutamic acid 512 with alanine.
Molecular consequence: missense variant.
Genome position (GRCh38, 1-based): chr16:88,429,005, A>C. VCF-style: chr16-88429005-A-C. GRCh37 (hg19) VCF-style: chr16-88495413-A-C.
Other names: NM_001127464.1:c.1535A>C; short protein forms E512A.
Identifiers: ClinVar variation 3368794 (VCV003368794.1).
Genomic context (GRCh38, chr16:88,429,005, plus strand): 5'-GGCCAAGTCCCCACGGAATGGAGATGCTGAGCCGGCTGCCTTTCCCCGCGGGGGGCCCCG[A>C]GTGGCAGGGGGGCAGCCAAGGAGCCCTGGGCACTGCTGGCAAGACACCGGGACCCAGAGA-3'
Protein context (NP_001354553.1, residues 502-522): SRLPFPAGGP[Glu512Ala]WQGGSQGALG